The following is an entry in ClinVar:

ClinVar aggregate classification (germline): Conflicting classifications of pathogenicity. Review status: criteria provided, conflicting classifications (1 of 4 stars). 2 submissions from 2 submitters: Uncertain significance (1); Likely benign (1). Last evaluated 2025-12-15.

Conditions:
Inborn genetic diseases. Identifiers: MedGen C0950123, MeSH D030342.

Allele frequency attached by ClinVar (database versions not stated): TOPMed below 0.00001.

Submissions (2):

Ambry Genetics
Classification: Likely benign for Inborn genetic diseases. Last evaluated: 2025-12-15. Review status: criteria provided, single submitter. Criteria: Ambry Variant Classification Scheme 2023. Collection method: clinical testing. Allele origin: germline.

Labcorp Genetics (formerly Invitae), Labcorp
Classification: Uncertain significance. Last evaluated: 2022-09-06. Review status: criteria provided, single submitter. Criteria: Invitae Variant Classification Sherloc (09022015). Collection method: clinical testing. Allele origin: germline.
Comment: In summary, the available evidence is currently insufficient to determine the role of this variant in disease. Therefore, it has been classified as a Variant of Uncertain Significance. Algorithms developed to predict the effect of missense changes on protein structure and function output the following: SIFT: "Tolerated"; PolyPhen-2: "Benign"; Align-GVGD: "Class C0". The isoleucine amino acid residue is found in multiple mammalian species, which suggests that this missense change does not adversely affect protein function. This variant has not been reported in the literature in individuals affected with ANKRD26-related conditions. This variant is not present in population databases (gnomAD no frequency). This sequence change replaces methionine, which is neutral and non-polar, with isoleucine, which is neutral and non-polar, at codon 873 of the ANKRD26 protein (p.Met873Ile).

NM_014915.3(ANKRD26):c.2619G>T (p.Met873Ile)

Gene: ANKRD26 (ankyrin repeat domain 26; minus strand). Cytogenetic location: 10p12.1.
Variant type: single nucleotide variant.
Coding change: c.2619G>T on transcript NM_014915.3 (MANE Select); coding-DNA position 2619, G replaced by T.
Protein change: p.Met873Ile; replaces methionine 873 with isoleucine.
Molecular consequence: missense variant.
Genome position (GRCh38, 1-based): chr10:27,037,264, C>A on the plus strand (G>T on the coding strand, the complement: ANKRD26 is on the minus strand). VCF-style: chr10-27037264-C-A. GRCh37 (hg19) VCF-style: chr10-27326193-C-A.
Other names: c.2616G>T, p.Met872Ile (NM_001256053.2); short protein forms M872I, M873I.
Identifiers: ClinVar variation 1718937 (VCV001718937.6), dbSNP rs1466712173, ClinGen allele CA376366345.
Genomic context (GRCh38, chr10:27,037,264, plus strand): 5'-TTGAGCCATTTCAATCTCCTTTTGTTTGGAAAGGTGATTGGTCAGAATTCCATCTTGTAA[C>A]ATTCTGGCATTCTGTTCTCGAGAAAGTTGCCTCTGAGCGTCATTTCGCTCTTGAACGACC-3'
Protein context (NP_055730.2, residues 863-883): RQLSREQNAR[Met873Ile]LQDGILTNHL